The following is an entry in ClinVar:

NM_001397406.1(FDX2):c.72G>A (p.Trp24Ter)

Genes: FDX2 (ferredoxin 2; minus strand), FDX2-ZGLP1 (FDX2-ZGLP1 readthrough (NMD candidate); minus strand). Cytogenetic location: 19p13.2.
Variant type: single nucleotide variant.
Coding change: c.72G>A on transcript NM_001397406.1 (MANE Select); coding-DNA position 72, G replaced by A.
Protein change: p.Trp24Ter; replaces tryptophan 24 with a stop codon.
Molecular consequence: nonsense.
Genome position (GRCh38, 1-based): chr19:10,315,925, C>T on the plus strand (G>A on the coding strand, the complement: FDX2 is on the minus strand). VCF-style: chr19-10315925-C-T. GRCh37 (hg19) VCF-style: chr19-10426601-C-T.
Other names: c.81G>A, p.Trp27Ter (NM_001031734.4); short protein forms W24*, W27*.
Identifiers: ClinVar variation 2131345 (VCV002131345.4), dbSNP rs2512379775, ClinGen allele CA403979384.

ClinVar aggregate classification (germline): Uncertain significance (1 of 4 stars; one submission).

Submission:

Labcorp Genetics (formerly Invitae), Labcorp
Classification: Uncertain significance. Last evaluated: 2022-12-06. Review status: criteria provided, single submitter. Criteria: Invitae Variant Classification Sherloc (09022015). Collection method: clinical testing. Allele origin: germline.
Comment: This variant is not present in population databases (gnomAD no frequency). This variant has not been reported in the literature in individuals affected with FDX2-related conditions. Algorithms developed to predict the effect of sequence changes on RNA splicing suggest that this variant may create or strengthen a splice site. In summary, the available evidence is currently insufficient to determine the role of this variant in disease. Therefore, it has been classified as a Variant of Uncertain Significance. This sequence change creates a premature translational stop signal (p.Trp27*) in the FDX2 gene. It is expected to result in an absent or disrupted protein product. However, the current clinical and genetic evidence is not sufficient to establish whether loss-of-function variants in FDX2 cause disease.